The following is an entry in ClinVar:

ClinVar aggregate classification (germline): Uncertain significance (1 of 4 stars; one submission).

Submission:

Dasa
Classification: Uncertain significance. Last evaluated: 2025-05-21. Review status: criteria provided, single submitter. Criteria: DASA Assertion Criteria. Collection method: clinical testing. Allele origin: germline.
Comment: NM_030632.3(ASXL3):c.5533C>G (p.Pro1845Ala) is a missense variant that results in the substitution of proline with alanine. This variant is rare in population databases. Computational prediction algorithms are consistent with a benign effect. The currently available literature and clinical evidence are not sufficient to establish a definitive association between this variant and the reported condition. Therefore, this variant is classified as a variant of uncertain significance.

NM_030632.3(ASXL3):c.5533C>G (p.Pro1845Ala)

Gene: ASXL3 (ASXL transcriptional regulator 3; plus strand). Cytogenetic location: 18q12.1.
Variant type: single nucleotide variant.
Coding change: c.5533C>G on transcript NM_030632.3 (MANE Select); coding-DNA position 5533, C replaced by G.
Protein change: p.Pro1845Ala; replaces proline 1845 with alanine.
Molecular consequence: missense variant.
Genome position (GRCh38, 1-based): chr18:33,745,381, C>G. VCF-style: chr18-33745381-C-G. GRCh37 (hg19) VCF-style: chr18-31325345-C-G.
Other names: short protein forms P1845A.
Identifiers: ClinVar variation 4883536 (VCV004883536.2).